The following is an entry in ClinVar:

ClinVar aggregate classification (germline): Uncertain significance. Review status: criteria provided, multiple submitters, no conflicts (2 of 4 stars). 3 submissions from 3 submitters: Uncertain significance (2). 1 of the submissions does not count toward it. Last evaluated 2026-10-01.

Conditions:
Perlman syndrome (PRLMNS). Identifiers: Orphanet 2849, MedGen C0796113, MONDO:0009965, OMIM 267000.

Submissions (3):

St. Jude Molecular Pathology, St. Jude Children's Research Hospital
Classification: Uncertain significance for Perlman syndrome. Last evaluated: 2026-10-01. Review status: criteria provided, single submitter. Criteria: St. Jude Assertion Criteria 2020. Collection method: clinical testing. Allele origin: germline.
Comment: The DIS3L2 c.33_34delinsAA p.(Pro12Thr) change is a deletion of two nucleotides and an insertion of two different nucleotides at position 33 to 34 to cause the substitution of the proline residue for a threonine residue at codon 12. This variant is absent in gnomAD v2.1.1. In silico evaluation of the impact of this variant on protein function cannot be determined and functional studies have not been performed. To our knowledge, this variant has not been reported in individuals with Perlman syndrome. In summary, the evidence currently available is insufficient to determine the clinical significance of this variant. It has therefore been classified as of uncertain significance.

Labcorp Genetics (formerly Invitae), Labcorp
Classification: Uncertain significance for Perlman syndrome. Last evaluated: 2024-06-03. Review status: criteria provided, single submitter. Criteria: Invitae Variant Classification Sherloc (09022015). Collection method: clinical testing. Allele origin: germline.
Comment: This sequence change replaces proline, which is neutral and non-polar, with threonine, which is neutral and polar, at codon 12 of the DIS3L2 protein (p.Pro12Thr). Information on the frequency of this variant in the gnomAD database is not available, as this variant may be reported differently in the database. This variant has not been reported in the literature in individuals affected with DIS3L2-related conditions. ClinVar contains an entry for this variant (Variation ID: 577913). Experimental studies and prediction algorithms are not available or were not evaluated, and the functional significance of this variant is currently unknown. In summary, the available evidence is currently insufficient to determine the role of this variant in disease. Therefore, it has been classified as a Variant of Uncertain Significance.

Gharavi Laboratory, Columbia University
Classification: Uncertain significance. Last evaluated: 2018-09-16. Review status: no assertion criteria provided. Criteria: ACMG Guidelines, 2015. Collection method: research. Allele origin: germline. Affected: yes. Not counted in ClinVar's aggregate classification.

NM_152383.5(DIS3L2):c.33_34delinsAA (p.Pro12Thr)

Gene: DIS3L2 (DIS3 like 3'-5' exoribonuclease 2; plus strand). Cytogenetic location: 2q37.1.
Variant type: Indel.
Coding change: c.33_34delinsAA on transcript NM_152383.5 (MANE Select); coding-DNA positions 33 to 34, GC replaced by AA.
Protein change: p.Pro12Thr; replaces proline 12 with threonine.
Molecular consequence: missense variant. On other transcripts: non-coding transcript variant (2).
Genome position (GRCh38, 1-based): chr2:232,014,960-232,014,961, GC replaced by AA. VCF-style: chr2-232014960-GC-AA. GRCh37 (hg19) VCF-style: chr2-232879670-GC-AA.
Other names: c.33_34delinsAA, p.Pro12Thr (NM_001257281.2, NM_001257282.2); c.33_34delGCinsAA (NM_152383.4); short protein forms P12T.
Identifiers: ClinVar variation 577913 (VCV000577913.9), dbSNP rs1559542257, ClinGen allele CA891843257.